The following is an entry in ClinVar:

ClinVar aggregate classification (germline): Uncertain significance. Review status: criteria provided, multiple submitters, no conflicts (2 of 4 stars). 2 submissions from 2 submitters: Uncertain significance (2). Last evaluated 2025-03-21.

Conditions:
Gastrointestinal stromal tumor. Also called: Gastrointestinal stromal tumor, somatic; Gastrointestinal stroma tumor. Identifiers: Orphanet 44890, MedGen C0238198, MeSH D046152, MONDO:0011719, OMIM 606764, HP:0100723.
Hereditary cancer-predisposing syndrome. Also called: Neoplastic Syndromes, Hereditary; Tumor predisposition; Hereditary Cancer Syndrome; Hereditary neoplastic syndrome. Identifiers: Orphanet 140162, MedGen C0027672, MeSH D009386, MONDO:0015356.

gnomAD v4.1: 1 of 1,613,672 alleles (0.000062%); highest among the groups gnomAD compares: African/African-American, 0.0013%; no homozygotes.

Submissions (2):

Labcorp Genetics (formerly Invitae), Labcorp
Classification: Uncertain significance for Gastrointestinal stromal tumor. Last evaluated: 2025-03-21. Review status: criteria provided, single submitter. Criteria: Invitae Variant Classification Sherloc (09022015). Collection method: clinical testing. Allele origin: germline.
Comment: This sequence change replaces histidine, which is basic and polar, with tyrosine, which is neutral and polar, at codon 264 of the KIT protein (p.His264Tyr). This variant is not present in population databases (gnomAD no frequency). This variant has not been reported in the literature in individuals affected with KIT-related conditions. An algorithm developed to predict the effect of missense changes on protein structure and function (PolyPhen-2) suggests that this variant is likely to be tolerated. In summary, the available evidence is currently insufficient to determine the role of this variant in disease. Therefore, it has been classified as a Variant of Uncertain Significance.

Ambry Genetics
Classification: Uncertain significance for Hereditary cancer-predisposing syndrome. Last evaluated: 2025-01-09. Review status: criteria provided, single submitter. Criteria: Ambry Variant Classification Scheme 2023. Collection method: clinical testing. Allele origin: germline.
Comment: The p.H264Y variant (also known as c.790C>T), located in coding exon 5 of the KIT gene, results from a C to T substitution at nucleotide position 790. The histidine at codon 264 is replaced by tyrosine, an amino acid with similar properties. This amino acid position is conserved. In addition, this alteration is predicted to be tolerated by in silico analysis. Based on the available evidence, the clinical significance of this variant remains unclear.

NM_000222.3(KIT):c.790C>T (p.His264Tyr)

Gene: KIT (KIT proto-oncogene, receptor tyrosine kinase; plus strand). Cytogenetic location: 4q12.
Variant type: single nucleotide variant.
Coding change: c.790C>T on transcript NM_000222.3 (MANE Select); coding-DNA position 790, C replaced by T.
Protein change: p.His264Tyr; replaces histidine 264 with tyrosine.
Molecular consequence: missense variant.
Genome position (GRCh38, 1-based): chr4:54,703,757, C>T. VCF-style: chr4-54703757-C-T. GRCh37 (hg19) VCF-style: chr4-55569923-C-T.
Other names: c.793C>T, p.His265Tyr (NM_001385290.1, NM_001385292.1, NM_001385284.1 and 1 more transcripts); c.790C>T, p.His264Tyr (NM_001093772.2, NM_001385285.1, NM_001385286.1); short protein forms H265Y, H264Y.
Identifiers: ClinVar variation 3864534 (VCV003864534.2).